The following is an entry in ClinVar:

ClinVar aggregate classification (germline): Pathogenic (1 of 4 stars; one submission).

Submission:

GeneDx
Classification: Pathogenic. Last evaluated: 2024-02-08. Review status: criteria provided, single submitter. Criteria: GeneDx Variant Classification Process June 2021. Collection method: clinical testing. Allele origin: germline. Affected: yes.
Comment: Identified in a patient with COL2A1-related dysplasia, although detailed clinical information was not provided (PMID: 22791362); Occurs in the triple helical domain and replaces a glycine in a canonical Gly-X-Y repeat; missense substitution of a canonical glycine residue is expected to disrupt normal protein folding and function, and this is an established mechanism of disease (PMID: 34007986); In silico analysis supports that this missense variant has a deleterious effect on protein structure/function; Not observed at significant frequency in large population cohorts (gnomAD); This variant is associated with the following publications: (PMID: 34007986, 22791362)

NM_001844.5(COL2A1):c.2564G>T (p.Gly855Val)

Gene: COL2A1 (collagen type II alpha 1 chain; minus strand). Cytogenetic location: 12q13.11.
Variant type: single nucleotide variant.
Coding change: c.2564G>T on transcript NM_001844.5 (MANE Select); coding-DNA position 2564, G replaced by T.
Protein change: p.Gly855Val; replaces glycine 855 with valine.
Molecular consequence: missense variant.
Genome position (GRCh38, 1-based): chr12:47,980,615, C>A on the plus strand (G>T on the coding strand, the complement: COL2A1 is on the minus strand). VCF-style: chr12-47980615-C-A. GRCh37 (hg19) VCF-style: chr12-48374398-C-A.
Other names: c.2357G>T, p.Gly786Val (NM_033150.3); short protein forms G786V, G855V.
Identifiers: ClinVar variation 3338854 (VCV003338854.1).